The following is an entry in ClinVar:

NM_004304.5(ALK):c.2519T>C (p.Ile840Thr)

Gene: ALK (ALK receptor tyrosine kinase; minus strand). Cytogenetic location: 2p23.2.
Variant type: single nucleotide variant.
Coding change: c.2519T>C on transcript NM_004304.5 (MANE Select); coding-DNA position 2519, T replaced by C.
Protein change: p.Ile840Thr; replaces isoleucine 840 with threonine.
Molecular consequence: missense variant.
Genome position (GRCh38, 1-based): chr2:29,232,417, A>G on the plus strand (T>C on the coding strand, the complement: ALK is on the minus strand). VCF-style: chr2-29232417-A-G. GRCh37 (hg19) VCF-style: chr2-29455283-A-G.
Other names: short protein forms I840T.
Identifiers: ClinVar variation 658921 (VCV000658921.14), dbSNP rs774200047, ClinGen allele CA1594276.

ClinVar aggregate classification (germline): Uncertain significance. Review status: criteria provided, multiple submitters, no conflicts (2 of 4 stars). 2 submissions from 2 submitters: Uncertain significance (2). Last evaluated 2025-01-08.

Conditions:
Neuroblastoma, susceptibility to, 3. Also called: ALK-Related Neuroblastic Tumor Susceptibility. Identifiers: Orphanet 635, MedGen C2751681, MONDO:0013083, OMIM 613014.
Hereditary cancer-predisposing syndrome. Also called: Neoplastic Syndromes, Hereditary; Hereditary neoplastic syndrome; Hereditary Cancer Syndrome; Tumor predisposition. Identifiers: Orphanet 140162, MedGen C0027672, MeSH D009386, MONDO:0015356.

Allele frequency attached by ClinVar (database versions not stated): gnomAD 0.00001; gnomAD exomes 0.00001; ExAC 0.00002; TOPMed below 0.00001.
gnomAD v4.1: 15 of 1,614,066 alleles (0.00093%); highest among the groups gnomAD compares: Non-Finnish European, 0.0012%; no homozygotes.

Submissions (2):

Labcorp Genetics (formerly Invitae), Labcorp
Classification: Uncertain significance for Neuroblastoma, susceptibility to, 3. Last evaluated: 2025-01-08. Review status: criteria provided, single submitter. Criteria: Invitae Variant Classification Sherloc (09022015). Collection method: clinical testing. Allele origin: germline.
Comment: This sequence change replaces isoleucine, which is neutral and non-polar, with threonine, which is neutral and polar, at codon 840 of the ALK protein (p.Ile840Thr). This variant is present in population databases (rs774200047, gnomAD 0.003%). This variant has not been reported in the literature in individuals affected with ALK-related conditions. ClinVar contains an entry for this variant (Variation ID: 658921). An algorithm developed to predict the effect of missense changes on protein structure and function (PolyPhen-2) suggests that this variant is likely to be disruptive. In summary, the available evidence is currently insufficient to determine the role of this variant in disease. Therefore, it has been classified as a Variant of Uncertain Significance.

Ambry Genetics
Classification: Uncertain significance for Hereditary cancer-predisposing syndrome. Last evaluated: 2024-04-22. Review status: criteria provided, single submitter. Criteria: Ambry Variant Classification Scheme 2023. Collection method: clinical testing. Allele origin: germline.
Comment: The p.I840T variant (also known as c.2519T>C), located in coding exon 15 of the ALK gene, results from a T to C substitution at nucleotide position 2519. The isoleucine at codon 840 is replaced by threonine, an amino acid with similar properties. This amino acid position is conserved. In addition, the in silico prediction for this alteration is inconclusive. Since supporting evidence is limited at this time, the clinical significance of this alteration remains unclear.